The following is an entry in ClinVar:

NM_001098816.3(TENM4):c.4380G>A (p.Lys1460=)

Gene: TENM4 (teneurin transmembrane protein 4; minus strand). Cytogenetic location: 11q14.1.
Variant type: single nucleotide variant.
Coding change: c.4380G>A on transcript NM_001098816.3 (MANE Select); coding-DNA position 4380, G replaced by A.
Protein change: p.Lys1460=; no amino-acid change (lysine 1460 retained).
Molecular consequence: synonymous variant.
Genome position (GRCh38, 1-based): chr11:78,702,233, C>T on the plus strand (G>A on the coding strand, the complement: TENM4 is on the minus strand). VCF-style: chr11-78702233-C-T. GRCh37 (hg19) VCF-style: chr11-78413278-C-T.
Identifiers: ClinVar variation 3034337 (VCV003034337.2), dbSNP rs61739472, ClinGen allele CA6206812.

ClinVar aggregate classification (germline): Benign (0 of 4 stars; one submission).

Conditions:
TENM4-related disorder. Also called: TENM4-related condition.

Allele frequency attached by ClinVar (database versions not stated): gnomAD exomes 0.00012; ExAC 0.00046; gnomAD 0.00112; ESP Exome Variant Server 0.00135; TOPMed 0.00138; 1000 Genomes Project 0.00160; 1000 Genomes Project 30x 0.00187.
gnomAD v4.1: 352 of 1,614,054 alleles (0.022%); highest among the groups gnomAD compares: African/African-American, 0.36%; 1 homozygote.

Submission:

PreventionGenetics, part of Exact Sciences
Classification: Benign for TENM4-related condition. Last evaluated: 2019-06-12. Review status: no assertion criteria provided. Collection method: clinical testing. Allele origin: germline.
Comment: This variant is classified as benign based on ACMG/AMP sequence variant interpretation guidelines (Richards et al. 2015 PMID: 25741868, with internal and published modifications).